The following is an entry in ClinVar:

NM_020207.7(ERCC6L2):c.1848-3C>T

Gene: ERCC6L2 (ERCC excision repair 6 like 2; plus strand). Cytogenetic location: 9q22.32.
Variant type: single nucleotide variant.
Coding change: c.1848-3C>T on transcript NM_020207.7 (MANE Select); 3 bases into the intron before coding-DNA position 1848, C replaced by T.
Molecular consequence: intron variant.
Genome position (GRCh38, 1-based): chr9:95,955,911, C>T. VCF-style: chr9-95955911-C-T. GRCh37 (hg19) VCF-style: chr9-98718193-C-T.
Other names: c.1848-3C>T (NM_001375291.1, NM_001375292.1, NM_001375294.1 and 2 more transcripts).
Identifiers: ClinVar variation 3700076 (VCV003700076.1).

ClinVar aggregate classification (germline): Uncertain significance (1 of 4 stars; one submission).

gnomAD v4.1: 2 of 1,546,214 alleles (0.00013%); highest among the groups gnomAD compares: African/African-American, 0.0014%; no homozygotes.

Submission:

Labcorp Genetics (formerly Invitae), Labcorp
Classification: Uncertain significance. Last evaluated: 2024-10-14. Review status: criteria provided, single submitter. Criteria: Invitae Variant Classification Sherloc (09022015). Collection method: clinical testing. Allele origin: germline.
Comment: This sequence change falls in intron 12 of the ERCC6L2 gene. It does not directly change the encoded amino acid sequence of the ERCC6L2 protein. It affects a nucleotide within the consensus splice site. This variant is present in population databases (no rsID available, gnomAD 0.01%). This variant has not been reported in the literature in individuals affected with ERCC6L2-related conditions. Variants that disrupt the consensus splice site are a relatively common cause of aberrant splicing (PMID: 17576681, 9536098). Algorithms developed to predict the effect of sequence changes on RNA splicing suggest that this variant is not likely to affect RNA splicing. In summary, the available evidence is currently insufficient to determine the role of this variant in disease. Therefore, it has been classified as a Variant of Uncertain Significance.

Literature cited by the submitters: PubMed 17576681; PubMed 9536098.